The following is an entry in ClinVar:

ClinVar aggregate classification (germline): Uncertain significance. Review status: criteria provided, multiple submitters, no conflicts (2 of 4 stars). 2 submissions from 2 submitters: Uncertain significance (2). Last evaluated 2025-11-13.

Conditions:
Multiple endocrine neoplasia, type 2 (MEN2). Identifiers: Orphanet 653, MedGen C4048306, MONDO:0019003. Disease mechanism: gain of function.
Hereditary cancer-predisposing syndrome. Also called: Tumor predisposition; Hereditary Cancer Syndrome; Hereditary neoplastic syndrome; Neoplastic Syndromes, Hereditary. Identifiers: Orphanet 140162, MedGen C0027672, MeSH D009386, MONDO:0015356.

Submissions (2):

Labcorp Genetics (formerly Invitae), Labcorp
Classification: Uncertain significance for Multiple endocrine neoplasia, type 2. Last evaluated: 2025-11-13. Review status: criteria provided, single submitter. Criteria: Invitae Variant Classification Sherloc (09022015). Collection method: clinical testing. Allele origin: germline.
Comment: This sequence change replaces leucine, which is neutral and non-polar, with valine, which is neutral and non-polar, at codon 851 of the RET protein (p.Leu851Val). This variant is not present in population databases (gnomAD no frequency). This variant has not been reported in the literature in individuals affected with RET-related conditions. An algorithm developed to predict the effect of missense changes on protein structure and function (PolyPhen-2) suggests that this variant is likely to be disruptive. In summary, the available evidence is currently insufficient to determine the role of this variant in disease. Therefore, it has been classified as a Variant of Uncertain Significance.

Ambry Genetics
Classification: Uncertain significance for Hereditary cancer-predisposing syndrome. Last evaluated: 2025-09-23. Review status: criteria provided, single submitter. Criteria: Ambry Variant Classification Scheme 2023. Collection method: clinical testing. Allele origin: germline.
Comment: The p.L851V variant (also known as c.2551C>G), located in coding exon 14 of the RET gene, results from a C to G substitution at nucleotide position 2551. The leucine at codon 851 is replaced by valine, an amino acid with highly similar properties. This amino acid position is conserved. In addition, this alteration is predicted to be deleterious by in silico analysis. Based on the available evidence, the clinical significance of this variant remains unclear.

NM_020975.6(RET):c.2551C>G (p.Leu851Val)

Gene: RET (ret proto-oncogene; plus strand). Cytogenetic location: 10q11.21.
Variant type: single nucleotide variant.
Coding change: c.2551C>G on transcript NM_020975.6 (MANE Select); coding-DNA position 2551, C replaced by G.
Protein change: p.Leu851Val; replaces leucine 851 with valine.
Molecular consequence: missense variant.
Genome position (GRCh38, 1-based): chr10:43,119,689, C>G. VCF-style: chr10-43119689-C-G. GRCh37 (hg19) VCF-style: chr10-43615137-C-G.
Other names: c.1789C>G, p.Leu597Val (NM_001355216.2); c.2551C>G, p.Leu851Val (NM_001406743.1, NM_001406744.1, NM_001406759.1 and 2 more transcripts); c.2422C>G, p.Leu808Val (NM_001406761.1, NM_001406762.1, NM_001406764.1); c.2416C>G, p.Leu806Val (NM_001406763.1, NM_001406765.1); c.2263C>G, p.Leu755Val (NM_001406766.1, NM_001406767.1, NM_001406770.1); c.2287C>G, p.Leu763Val (NM_001406768.1); c.2155C>G, p.Leu719Val (NM_001406769.1, NM_001406772.1); c.2113C>G, p.Leu705Val (NM_001406771.1, NM_001406773.1); and 10 more; short protein forms L368V, L456V, L507V, L806V, L808V, L416V, L512V, L609V.
Identifiers: ClinVar variation 4544941 (VCV004544941.2).